The following is an entry in ClinVar:

NM_007294.4(BRCA1):c.5140G>A (p.Val1714Ile)

Gene: BRCA1 (BRCA1 DNA repair associated; minus strand). Cytogenetic location: 17q21.31.
Variant type: single nucleotide variant.
Coding change: c.5140G>A on transcript NM_007294.4 (MANE Select); coding-DNA position 5140, G replaced by A.
Protein change: p.Val1714Ile; replaces valine 1714 with isoleucine.
Molecular consequence: missense variant. On other transcripts: non-coding transcript variant (1).
Genome position (GRCh38, 1-based): chr17:43,063,886, C>T on the plus strand (G>A on the coding strand, the complement: BRCA1 is on the minus strand). VCF-style: chr17-43063886-C-T. GRCh37 (hg19) VCF-style: chr17-41215903-C-T.
Other names: c.4927G>A, p.Val1643Ile (NM_001407571.1, NM_001407902.1, NM_001407904.1 and 12 more transcripts); c.5206G>A, p.Val1736Ile (NM_001407581.1, NM_001407582.1); c.5203G>A, p.Val1735Ile (NM_001407583.1, NM_001407585.1, NM_001407587.1 and 1 more transcripts); c.5200G>A, p.Val1734Ile (NM_001407590.1, NM_001407591.1); c.5140G>A, p.Val1714Ile (NM_001407593.1, NM_001407594.1, NM_001407596.1 and 7 more transcripts); c.5137G>A, p.Val1713Ile (NM_001407610.1, NM_001407611.1, NM_001407612.1 and 17 more transcripts); c.5134G>A, p.Val1712Ile (NM_001407628.1, NM_001407629.1, NM_001407630.1 and 14 more transcripts); c.5083G>A, p.Val1695Ile (NM_001407648.1); and 71 more; short protein forms V1667I, V1714I, V1735I, V610I, V1585I, V1601I, V1642I, V1643I.
Identifiers: ClinVar variation 865010 (VCV000865010.16), dbSNP rs1567769244, ClinGen allele CA10591263.

ClinVar aggregate classification (germline): Uncertain significance. Review status: criteria provided, multiple submitters, no conflicts (2 of 4 stars). 4 submissions from 4 submitters: Uncertain significance (4). Last evaluated 2025-08-06.

Conditions:
Hereditary breast ovarian cancer syndrome. Also called: Hereditary breast and/or ovarian cancer syndrome; BRCA1- and BRCA2-Associated Hereditary Breast and Ovarian Cancer; Hereditary breast and ovarian cancer syndrome; Hereditary breast and ovarian cancer; Hereditary breast and ovarian cancer syndrome (HBOC); Breast and ovarian cancer. Identifiers: Orphanet 145, MedGen C0677776, MeSH D061325, MONDO:0003582. Disease mechanism: loss of function.
Hereditary cancer-predisposing syndrome. Also called: Tumor predisposition; Hereditary Cancer Syndrome; Hereditary neoplastic syndrome; Neoplastic Syndromes, Hereditary. Identifiers: Orphanet 140162, MedGen C0027672, MeSH D009386, MONDO:0015356.

Submissions (5):

Labcorp Genetics (formerly Invitae), Labcorp
Classification: Uncertain significance for Hereditary breast ovarian cancer syndrome. Last evaluated: 2025-08-06. Review status: criteria provided, single submitter. Criteria: Invitae Variant Classification Sherloc (09022015). Collection method: clinical testing. Allele origin: germline.
Comment: This sequence change replaces valine, which is neutral and non-polar, with isoleucine, which is neutral and non-polar, at codon 1714 of the BRCA1 protein (p.Val1714Ile). This variant is not present in population databases (gnomAD no frequency). This variant has not been reported in the literature in individuals affected with BRCA1-related conditions. ClinVar contains an entry for this variant (Variation ID: 865010). Invitae Evidence Modeling incorporating data from in vitro experimental studies (PMID: 30209399) indicates that this missense variant is not expected to disrupt BRCA1 function with a negative predictive value of 95%. Experimental studies have shown that this missense change does not substantially affect BRCA1 function (PMID: 30209399). Algorithms developed to predict the effect of sequence changes on RNA splicing suggest that this variant may create or strengthen a splice site. This variant disrupts the p.Val1714 amino acid residue in BRCA1. Other variant(s) that disrupt this residue have been determined to be pathogenic (PMID: 20516115, 26344711, 28781887, 29752822, 30209399). This suggests that this residue is clinically significant, and that variants that disrupt this residue are likely to be disease-causing. In summary, the available evidence is currently insufficient to determine the role of this variant in disease. Therefore, it has been classified as a Variant of Uncertain Significance.

Ambry Genetics
Classification: Uncertain significance for Hereditary cancer-predisposing syndrome. Last evaluated: 2022-03-23. Review status: criteria provided, single submitter. Criteria: Ambry Variant Classification Scheme 2023. Collection method: clinical testing. Allele origin: germline.
Comment: The p.V1714I variant (also known as c.5140G>A), located in coding exon 16 of the BRCA1 gene, results from a G to A substitution at nucleotide position 5140. The valine at codon 1714 is replaced by isoleucine, an amino acid with highly similar properties. One study found that this nucleotide substitution is functional in a high-throughput, genome editing, haploid cell survival assay (Findlay GM et al. Nature. 2018 10;562:217-222). This amino acid position is highly conserved in available vertebrate species. In silico splice site analysis predicts that this alteration may result in the creation or strengthening of a novel splice donor site, however RNA studies have demonstrated that this alteration does not result in a significant amount of abnormal splicing in the set of samples tested (Ambry internal data). Since supporting evidence is limited at this time, the clinical significance of this alteration remains unclear.

Color Diagnostics, LLC DBA Color Health
Classification: Uncertain significance for Hereditary cancer-predisposing syndrome. Last evaluated: 2019-09-24. Review status: criteria provided, single submitter. Criteria: ACMG Guidelines, 2015. Collection method: clinical testing. Allele origin: germline.
Comment: This missense variant replaces valine with isoleucine at codon 1714 of the BRCA1 protein. Computational prediction tool is inconclusive regarding the impact of this variant on protein structure and function (internally defined REVEL score threshold 0.5 < inconclusive < 0.7, PMID: 27666373). Splice site prediction tools suggest that this variant may not impact RNA splicing. This variant has been reported to be functional in a haploid cell proliferation assay (PMID: 30209399). This variant has not been reported in individuals affected with hereditary cancer in the literature. This variant has not been identified in the general population by the Genome Aggregation Database (gnomAD). The available evidence is insufficient to determine the role of this variant in disease conclusively. Therefore, this variant is classified as a Variant of Uncertain Significance.

Breakthrough Genomics
Classification: Uncertain significance. Review status: criteria provided, single submitter. Criteria: ACMG Guidelines, 2015. Collection method: not provided. Allele origin: germline. Inheritance: Autosomal recessive inheritance. Affected: yes.

Brotman Baty Institute, University of Washington
No classification provided (evidence only). Condition: Breast-ovarian cancer, familial 1. Review status: no classification provided. Collection method: in vitro. Allele origin: not applicable. Functional consequence: functionally_normal. Not counted in ClinVar's aggregate classification.
ClinVar note: "not provided" was previously submitted as the classification for the variant. However, the classification appeared to be based only on an observation of functional data so it was converted to no classification on 2025-07-30.

Literature cited by the submitters: PubMed 30209399 (cited by Labcorp Genetics (formerly Invitae), Labcorp and Ambry Genetics); PubMed 20516115 (cited by Labcorp Genetics (formerly Invitae), Labcorp); PubMed 26344711 (cited by Labcorp Genetics (formerly Invitae), Labcorp); PubMed 28781887 (cited by Labcorp Genetics (formerly Invitae), Labcorp); PubMed 29752822 (cited by Labcorp Genetics (formerly Invitae), Labcorp).